The following is an entry in ClinVar:

NM_015474.4(SAMHD1):c.349-6_354del

Gene: SAMHD1 (SAM and HD domain containing deoxynucleoside triphosphate triphosphohydrolase 1; minus strand). Cytogenetic location: 20q11.23.
Variant type: Deletion.
Coding change: c.349-6_354del on transcript NM_015474.4 (MANE Select); 6 bases into the intron before coding-DNA position 349 through coding-DNA position 354, 12 bases deleted (TTCTAGGTAATT).
Molecular consequence: splice acceptor variant.
Genome position (GRCh38, 1-based): chr20:36,935,184-36,935,195, AATTACCTAGAA deleted on the plus strand (TTCTAGGTAATT on the coding strand, the reverse complement: SAMHD1 is on the minus strand); deleting any 12 consecutive bases within chr20:36,935,184-36,935,200 gives the same sequence; the c. name uses the placement nearest the transcript's 3' end. VCF-style (leftmost placement, unchanged base first): chr20-36935183-TAATTACCTAGAA-T. GRCh37 (hg19) VCF-style: chr20-35563586-TAATTACCTAGAA-T.
Other names: c.349-6_354del (NM_001363729.2, NM_001363733.2).
Identifiers: ClinVar variation 2308668 (VCV002308668.4), dbSNP rs2515264387, ClinGen allele CA2580098155.

ClinVar aggregate classification (germline): Likely pathogenic. Review status: criteria provided, multiple submitters, no conflicts (2 of 4 stars). 2 submissions from 2 submitters: Likely pathogenic (2). Last evaluated 2024-05-04.

Conditions:
Inborn genetic diseases. Identifiers: MedGen C0950123, MeSH D030342.
Aicardi-Goutieres syndrome 5. Identifiers: Orphanet 51, MedGen C2749659, MONDO:0013059, OMIM 612952.

Submissions (2):

Labcorp Genetics (formerly Invitae), Labcorp
Classification: Likely pathogenic for Aicardi-Goutieres syndrome 5. Last evaluated: 2024-05-04. Review status: criteria provided, single submitter. Criteria: Invitae Variant Classification Sherloc (09022015). Collection method: clinical testing. Allele origin: germline.
Comment: This variant results in the deletion of part of exon 4 (c.349-6_354del) of the SAMHD1 gene. It is expected to disrupt RNA splicing. Variants that disrupt the donor or acceptor splice site typically lead to a loss of protein function (PMID: 16199547), and loss-of-function variants in SAMHD1 are known to be pathogenic (PMID: 19525956, 22461318). This variant is not present in population databases (gnomAD no frequency). This variant has not been reported in the literature in individuals affected with SAMHD1-related conditions. ClinVar contains an entry for this variant (Variation ID: 2308668). In summary, the currently available evidence indicates that the variant is pathogenic, but additional data are needed to prove that conclusively. Therefore, this variant has been classified as Likely Pathogenic.

Ambry Genetics
Classification: Likely pathogenic for Inborn genetic diseases. Last evaluated: 2022-09-27. Review status: criteria provided, single submitter. Criteria: Ambry Variant Classification Scheme 2023. Collection method: clinical testing. Allele origin: germline.
Comment: The c.349-6_354del12 variant results from a deletion of 12 nucleotides between positions c.349-6 and c.354 and involves the canonical splice acceptor site before coding exon 4 of the SAMHD1 gene. Alterations that disrupt the canonical splice site are expected to cause aberrant splicing, resulting in an abnormal protein or a transcript that is subject to nonsense-mediated mRNA decay. This variant was not reported in population-based cohorts in the Genome Aggregation Database (gnomAD). In silico splice site analysis predicts that this alteration will weaken the native splice acceptor site. Based on the available evidence, this alteration is classified as likely pathogenic.

Literature cited by the submitters: PubMed 16199547 (cited by Labcorp Genetics (formerly Invitae), Labcorp); PubMed 19525956 (cited by Labcorp Genetics (formerly Invitae), Labcorp); PubMed 22461318 (cited by Labcorp Genetics (formerly Invitae), Labcorp).